The following is an entry in ClinVar:

ClinVar aggregate classification (germline): Pathogenic. Review status: criteria provided, single submitter (1 of 4 stars). 3 submissions from 3 submitters: Pathogenic (1). 2 of the submissions do not count toward it. Last evaluated 2021-09-29.

Conditions:
Neuroblastoma, susceptibility to, 3. Also called: ALK-Related Neuroblastic Tumor Susceptibility. Identifiers: Orphanet 635, MedGen C2751681, MONDO:0013083, OMIM 613014.

Submissions (3):

Labcorp Genetics (formerly Invitae), Labcorp
Classification: Pathogenic for Neuroblastoma, susceptibility to, 3. Last evaluated: 2021-09-29. Review status: criteria provided, single submitter. Criteria: Invitae Variant Classification Sherloc (09022015). Collection method: clinical testing. Allele origin: germline.
Comment: For these reasons, this variant has been classified as Pathogenic. Experimental studies have shown that this missense change affects ALK function (PMID: 21838707). Algorithms developed to predict the effect of missense changes on protein structure and function (SIFT, PolyPhen-2, Align-GVGD) all suggest that this variant is likely to be disruptive. ClinVar contains an entry for this variant (Variation ID: 18085). This missense change has been observed in individual(s) with neuroblastoma (PMID: 18724359, 18923523, 24205241). It has also been observed to segregate with disease in related individuals. This variant is not present in population databases (ExAC no frequency). This sequence change replaces arginine with proline at codon 1192 of the ALK protein (p.Arg1192Pro). The arginine residue is highly conserved and there is a moderate physicochemical difference between arginine and proline.

Genomic Diagnostic Laboratory, Division of Genomic Diagnostics, Children's Hospital of Philadelphia
Classification: Pathogenic for Neuroblastoma, susceptibility to, 3. Last evaluated: 2015-10-07. Review status: no assertion criteria provided. Collection method: clinical testing. Allele origin: inherited. Affected: yes. Observed: 2 variant alleles. Not counted in ClinVar's aggregate classification.
Comment: Clinical Testing

OMIM
Classification: risk factor for NEUROBLASTOMA, SUSCEPTIBILITY TO, 3. Last evaluated: 2012-03-01. Review status: no assertion criteria provided. Collection method: literature only. Allele origin: germline. Not counted in ClinVar's aggregate classification.

Literature cited by the submitters: PubMed 21838707 (cited by Labcorp Genetics (formerly Invitae), Labcorp); PubMed 18724359 (cited by Labcorp Genetics (formerly Invitae), Labcorp and OMIM); PubMed 18923523 (cited by Labcorp Genetics (formerly Invitae), Labcorp and OMIM); PubMed 24205241 (cited by Labcorp Genetics (formerly Invitae), Labcorp); PubMed 22071890 (cited by OMIM).

NM_004304.5(ALK):c.3575G>C (p.Arg1192Pro)

Gene: ALK (ALK receptor tyrosine kinase; minus strand). Cytogenetic location: 2p23.2.
Variant type: single nucleotide variant.
Coding change: c.3575G>C on transcript NM_004304.5 (MANE Select); coding-DNA position 3575, G replaced by C.
Protein change: p.Arg1192Pro; replaces arginine 1192 with proline.
Molecular consequence: missense variant.
Genome position (GRCh38, 1-based): chr2:29,220,776, C>G on the plus strand (G>C on the coding strand, the complement: ALK is on the minus strand). VCF-style: chr2-29220776-C-G. GRCh37 (hg19) VCF-style: chr2-29443642-C-G.
Other names: c.371G>C, p.Arg124Pro (NM_001353765.2); short protein forms R1192P, R124P.
Identifiers: ClinVar variation 18085 (VCV000018085.10), dbSNP rs113994089, ClinGen allele CA341486.